The following is an entry in ClinVar:

NM_013276.4(SHPK):c.1192G>A (p.Val398Met)

Gene: SHPK (sedoheptulokinase; minus strand). Cytogenetic location: 17p13.2.
Variant type: single nucleotide variant.
Coding change: c.1192G>A on transcript NM_013276.4 (MANE Select); coding-DNA position 1192, G replaced by A.
Protein change: p.Val398Met; replaces valine 398 with methionine.
Molecular consequence: missense variant.
Genome position (GRCh38, 1-based): chr17:3,610,805, C>T on the plus strand (G>A on the coding strand, the complement: SHPK is on the minus strand). VCF-style: chr17-3610805-C-T. GRCh37 (hg19) VCF-style: chr17-3514099-C-T.
Other names: c.1192G>A (NM_013276.2); short protein forms V398M.
Identifiers: ClinVar variation 1440640 (VCV001440640.9), dbSNP rs147282051, ClinGen allele CA8291080.

ClinVar aggregate classification (germline): Uncertain significance. Review status: criteria provided, multiple submitters, no conflicts (2 of 4 stars). 2 submissions from 2 submitters: Uncertain significance (2). Last evaluated 2025-07-24.

Allele frequency attached by ClinVar (database versions not stated): gnomAD exomes 0.00001 and 0.00002; ExAC 0.00003; gnomAD 0.00004; TOPMed 0.00007; ESP Exome Variant Server 0.00015.
gnomAD v4.1: 21 of 1,614,050 alleles (0.0013%); highest among the groups gnomAD compares: African/African-American, 0.013%; no homozygotes.

Submissions (2):

Labcorp Genetics (formerly Invitae), Labcorp
Classification: Uncertain significance. Last evaluated: 2025-07-24. Review status: criteria provided, single submitter. Criteria: Invitae Variant Classification Sherloc (09022015). Collection method: clinical testing. Allele origin: germline.
Comment: This sequence change replaces valine, which is neutral and non-polar, with methionine, which is neutral and non-polar, at codon 398 of the SHPK protein (p.Val398Met). This variant is present in population databases (rs147282051, gnomAD 0.03%). This variant has not been reported in the literature in individuals affected with SHPK-related conditions. ClinVar contains an entry for this variant (Variation ID: 1440640). An algorithm developed to predict the effect of missense changes on protein structure and function (PolyPhen-2) suggests that this variant is likely to be disruptive. In summary, the available evidence is currently insufficient to determine the role of this variant in disease. Therefore, it has been classified as a Variant of Uncertain Significance.

Ambry Genetics
Classification: Uncertain significance. Last evaluated: 2021-10-26. Review status: criteria provided, single submitter. Criteria: Ambry Variant Classification Scheme 2023. Collection method: clinical testing. Allele origin: germline.